The following is an entry in ClinVar:

NM_006939.4(SOS2):c.2641G>A (p.Val881Ile)

Gene: SOS2 (SOS Ras/Rho guanine nucleotide exchange factor 2; minus strand). Cytogenetic location: 14q21.3.
Variant type: single nucleotide variant.
Coding change: c.2641G>A on transcript NM_006939.4 (MANE Select); coding-DNA position 2641, G replaced by A.
Protein change: p.Val881Ile; replaces valine 881 with isoleucine.
Molecular consequence: missense variant.
Genome position (GRCh38, 1-based): chr14:50,145,196, C>T on the plus strand (G>A on the coding strand, the complement: SOS2 is on the minus strand). VCF-style: chr14-50145196-C-T. GRCh37 (hg19) VCF-style: chr14-50611914-C-T.
Other names: c.2542G>A, p.Val848Ile (NM_001411020.1); short protein forms V848I, V881I.
Identifiers: ClinVar variation 4696491 (VCV004696491.1).

ClinVar aggregate classification (germline): Uncertain significance (1 of 4 stars; one submission).

Conditions:
Noonan syndrome 9 (NS9). Identifiers: Orphanet 648, MedGen C4225282, MONDO:0014691, OMIM 616559.

gnomAD v4.1: 5 of 1,609,360 alleles (0.00031%); highest among the groups gnomAD compares: Non-Finnish European, 0.00042%; no homozygotes.

Submission:

Labcorp Genetics (formerly Invitae), Labcorp
Classification: Uncertain significance for Noonan syndrome 9. Last evaluated: 2025-09-27. Review status: criteria provided, single submitter. Criteria: Invitae Variant Classification Sherloc (09022015). Collection method: clinical testing. Allele origin: germline.
Comment: This sequence change replaces valine, which is neutral and non-polar, with isoleucine, which is neutral and non-polar, at codon 881 of the SOS2 protein (p.Val881Ile). This variant is not present in population databases (gnomAD no frequency). This variant has not been reported in the literature in individuals affected with SOS2-related conditions. Invitae Evidence Modeling of protein sequence and biophysical properties (such as structural, functional, and spatial information, amino acid conservation, physicochemical variation, residue mobility, and thermodynamic stability) indicates that this missense variant is not expected to disrupt SOS2 protein function with a negative predictive value of 95%. In summary, the available evidence is currently insufficient to determine the role of this variant in disease. Therefore, it has been classified as a Variant of Uncertain Significance.